The following is an entry in ClinVar:

NM_000085.5(CLCNKB):c.1612C>T (p.Arg538Cys)

Genes: CLCNKB (chloride voltage-gated channel Kb; plus strand), LOC106501713 (CLCNKB recombination region; plus strand). Cytogenetic location: 1p36.13.
Variant type: single nucleotide variant.
Coding change: c.1612C>T on transcript NM_000085.5 (MANE Select); coding-DNA position 1612, C replaced by T.
Protein change: p.Arg538Cys; replaces arginine 538 with cysteine.
Molecular consequence: missense variant.
Genome position (GRCh38, 1-based): chr1:16,052,401, C>T. VCF-style: chr1-16052401-C-T. GRCh37 (hg19) VCF-style: chr1-16378896-C-T.
Other names: c.1105C>T, p.Arg369Cys (NM_001165945.2); short protein forms R369C, R538C.
Identifiers: ClinVar variation 1476927 (VCV001476927.7), dbSNP rs1400122692, ClinGen allele CA338643337.
Genomic context (GRCh38, chr1:16,052,401, plus strand): 5'-TCCTTCTATGATGGCACCGTCATTGTCAAGAAGCTGCCATACCTGCCACGGATTCTGGGC[C>T]GCAACATCGGGTGAGTGGTGCCCACCTCAGGCTGACTGAAGGGGGTCACAGTGTTTGGGA-3'
Protein context (NP_000076.2, residues 528-548): KLPYLPRILG[Arg538Cys]NIGSHRVRVE

ClinVar aggregate classification (germline): Uncertain significance. Review status: criteria provided, multiple submitters, no conflicts (2 of 4 stars). 2 submissions from 2 submitters: Uncertain significance (2). Last evaluated 2024-10-22.

Conditions:
Bartter disease type 3. Also called: Bartter syndrome type 3. Identifiers: Orphanet 112, Orphanet 93605, MedGen C1846343, MONDO:0011822, OMIM 607364.
Bartter disease type 4B. Also called: BARTTER SYNDROME, TYPE 4B, NEONATAL, WITH SENSORINEURAL DEAFNESS; BARTTER SYNDROME, TYPE 4B; Bartter syndrome, type 4b, digenic. Identifiers: Orphanet 112, MedGen C4310805, MONDO:0000909, OMIM 613090.

Allele frequency attached by ClinVar (database versions not stated): gnomAD 0.00001; gnomAD exomes 0.00001 and 0.00002; TOPMed 0.00003.

Submissions (2):

Labcorp Genetics (formerly Invitae), Labcorp
Classification: Uncertain significance. Last evaluated: 2024-10-22. Review status: criteria provided, single submitter. Criteria: Invitae Variant Classification Sherloc (09022015). Collection method: clinical testing. Allele origin: germline.
Comment: This sequence change replaces arginine, which is basic and polar, with cysteine, which is neutral and slightly polar, at codon 538 of the CLCNKB protein (p.Arg538Cys). This variant is present in population databases (no rsID available, gnomAD 0.006%). This variant has not been reported in the literature in individuals affected with CLCNKB-related conditions. ClinVar contains an entry for this variant (Variation ID: 1476927). Invitae Evidence Modeling of protein sequence and biophysical properties (such as structural, functional, and spatial information, amino acid conservation, physicochemical variation, residue mobility, and thermodynamic stability) indicates that this missense variant is not expected to disrupt CLCNKB protein function with a negative predictive value of 95%. In summary, the available evidence is currently insufficient to determine the role of this variant in disease. Therefore, it has been classified as a Variant of Uncertain Significance.

Fulgent Genetics
Classification: Uncertain significance for Bartter disease type 3; Bartter disease type 4B. Last evaluated: 2022-02-18. Review status: criteria provided, single submitter. Criteria: ACMG Guidelines, 2015. Collection method: clinical testing. Allele origin: unknown.